The following is an entry in ClinVar:

NM_032409.3(PINK1):c.*9C>T

Genes: PINK1 (PTEN induced kinase 1; plus strand), PINK1-AS (PINK1 antisense RNA; minus strand). Cytogenetic location: 1p36.12.
Variant type: single nucleotide variant.
Coding change: c.*9C>T on transcript NM_032409.3 (MANE Select); 9 bases downstream of the stop codon, C replaced by T.
Molecular consequence: 3 prime UTR variant. On other transcripts: non-coding transcript variant (1).
Genome position (GRCh38, 1-based): chr1:20,650,700, C>T. VCF-style: chr1-20650700-C-T. GRCh37 (hg19) VCF-style: chr1-20977193-C-T.
Identifiers: ClinVar variation 4983717 (VCV004983717.1).

ClinVar aggregate classification (germline): Uncertain significance (1 of 4 stars; one submission).

Conditions:
PINK1-related disorder. Also called: PINK1-related condition.

Submission:

PreventionGenetics, part of Exact Sciences
Classification: Uncertain significance for PINK1-related condition. Last evaluated: 2025-01-24. Review status: criteria provided, single submitter. Criteria: ACMG Guidelines, 2015. Collection method: clinical testing. Allele origin: germline.
Comment: The PINK1 c.*9C>T variant is located in the 3' untranslated region. To our knowledge, this variant has not been reported in the literature. This variant is reported in 0.0047% of alleles in individuals of European (Non-Finnish) descent in gnomAD. At this time, the clinical significance of this variant is uncertain due to the absence of conclusive functional and genetic evidence.